The following is an entry in ClinVar:

ClinVar aggregate classification (germline): Uncertain significance. Review status: criteria provided, multiple submitters, no conflicts (2 of 4 stars). 5 submissions from 5 submitters: Uncertain significance (5). Last evaluated 2025-03-26.

Conditions:
Inborn genetic diseases. Identifiers: MedGen C0950123, MeSH D030342.
Muscular dystrophy-dystroglycanopathy (congenital with brain and eye anomalies), type A2. Also called: WALKER-WARBURG SYNDROME OR MUSCLE-EYE-BRAIN DISEASE, POMT2-RELATED; MUSCULAR DYSTROPHY-DYSTROGLYCANOPATHY (CONGENITAL WITH BRAIN AND EYE ANOMALIES), TYPE A, 2. Identifiers: Orphanet 588, Orphanet 899, MedGen C3150411, MONDO:0013154, OMIM 613150.
Muscular dystrophy-dystroglycanopathy (congenital with impaired intellectual development), type B, 2. Also called: MUSCULAR DYSTROPHY, CONGENITAL, POMT2-RELATED; Muscular dystrophy-dystroglycanopathy (congenital with intellectual disability), type B2. Identifiers: MedGen C3150416, MONDO:0013160, OMIM 613156.
Autosomal recessive limb-girdle muscular dystrophy type 2N. Also called: MUSCULAR DYSTROPHY-DYSTROGLYCANOPATHY, LIMB-GIRDLE, POMT2-RELATED; Muscular dystrophy-dystroglycanopathy (limb-girdle), type C, 2. Identifiers: Orphanet 206559, MedGen C3150418, MONDO:0013162, OMIM 613158.

Allele frequency attached by ClinVar (database versions not stated): TOPMed 0.00018; 1000 Genomes Project 0.00020; gnomAD exomes 0.00001 and 0.00004; gnomAD 0.00021 and 0.00022; ESP Exome Variant Server 0.00008; 1000 Genomes Project 30x 0.00016; ExAC 0.00003.
gnomAD v4.1: 46 of 1,614,064 alleles (0.0028%); highest among the groups gnomAD compares: African/African-American, 0.056%; no homozygotes.

Submissions (5):

Ambry Genetics
Classification: Uncertain significance for Inborn genetic diseases. Last evaluated: 2025-03-26. Review status: criteria provided, single submitter. Criteria: Ambry Variant Classification Scheme 2023. Collection method: clinical testing. Allele origin: germline.

GeneDx
Classification: Uncertain significance. Last evaluated: 2024-07-08. Review status: criteria provided, single submitter. Criteria: GeneDx Variant Classification Process June 2021. Collection method: clinical testing. Allele origin: germline. Affected: yes.
Comment: In silico analysis supports that this missense variant has a deleterious effect on protein structure/function; Has not been previously published as pathogenic or benign to our knowledge; This variant is associated with the following publications: (PMID: 17923109, 30564623)

Fulgent Genetics
Classification: Uncertain significance for Muscular dystrophy-dystroglycanopathy (congenital with brain and eye anomalies), type A2; Muscular dystrophy-dystroglycanopathy (congenital with impaired intellectual development), type B, 2; Autosomal recessive limb-girdle muscular dystrophy type 2N. Last evaluated: 2024-05-13. Review status: criteria provided, single submitter. Criteria: ACMG Guidelines, 2015. Collection method: clinical testing. Allele origin: germline.

Labcorp Genetics (formerly Invitae), Labcorp
Classification: Uncertain significance for Muscular dystrophy-dystroglycanopathy (congenital with impaired intellectual development), type B, 2; Muscular dystrophy-dystroglycanopathy (congenital with brain and eye anomalies), type A2; Autosomal recessive limb-girdle muscular dystrophy type 2N. Last evaluated: 2022-08-09. Review status: criteria provided, single submitter. Criteria: Invitae Variant Classification Sherloc (09022015). Collection method: clinical testing. Allele origin: germline.
Comment: This sequence change replaces asparagine, which is neutral and polar, with serine, which is neutral and polar, at codon 98 of the POMT2 protein (p.Asn98Ser). This variant is present in population databases (rs368034790, gnomAD 0.06%). This variant has not been reported in the literature in individuals affected with POMT2-related conditions. ClinVar contains an entry for this variant (Variation ID: 95542). Algorithms developed to predict the effect of missense changes on protein structure and function are either unavailable or do not agree on the potential impact of this missense change (SIFT: "Tolerated"; PolyPhen-2: "Probably Damaging"; Align-GVGD: "Class C0"). In summary, the available evidence is currently insufficient to determine the role of this variant in disease. Therefore, it has been classified as a Variant of Uncertain Significance.

Eurofins Ntd Llc (ga)
Classification: Uncertain significance. Last evaluated: 2017-03-07. Review status: criteria provided, single submitter. Criteria: EGL Classification Definitions 2015. Collection method: clinical testing. Allele origin: germline. Observed: 3 variant alleles, 3 heterozygotes.

NM_013382.7(POMT2):c.293A>G (p.Asn98Ser)

Gene: POMT2 (protein O-mannosyltransferase 2; minus strand). Cytogenetic location: 14q24.3.
Variant type: single nucleotide variant.
Coding change: c.293A>G on transcript NM_013382.7 (MANE Select); coding-DNA position 293, A replaced by G.
Protein change: p.Asn98Ser; replaces asparagine 98 with serine.
Molecular consequence: missense variant.
Genome position (GRCh38, 1-based): chr14:77,311,989, T>C on the plus strand (A>G on the coding strand, the complement: POMT2 is on the minus strand). VCF-style: chr14-77311989-T-C. GRCh37 (hg19) VCF-style: chr14-77778332-T-C.
Identifiers: ClinVar variation 95542 (VCV000095542.52), dbSNP rs368034790, ClinGen allele CA223083.